The following is an entry in ClinVar:

ClinVar aggregate classification (germline): Conflicting classifications of pathogenicity. Review status: criteria provided, conflicting classifications (1 of 4 stars). 3 submissions from 3 submitters: Likely pathogenic (1); Uncertain significance (2). Last evaluated 2025-08-26.

Conditions:
Neurofibromatosis, type 1 (NF1). Also called: Peripheral type neurofibromatosis; Neurofibromatosis, type I; VON RECKLINGHAUSEN DISEASE; NEUROFIBROMATOSIS, TYPE I, SOMATIC. Identifiers: Orphanet 636, MedGen C0027831, MONDO:0018975, OMIM 162200. Disease mechanism: loss of function.

Submissions (3):

Dasa
Classification: Uncertain significance. Last evaluated: 2025-08-26. Review status: criteria provided, single submitter. Criteria: DASA Assertion Criteria. Collection method: clinical testing. Allele origin: germline.
Comment: NM_001042492.3(NF1):c.5624A>G (p.Asn1875Ser) is a missense variant that results in the substitution of asparagine with serine. This variant is absent from population databases. The currently available literature and clinical evidence are not sufficient to establish a definitive association between this variant and the reported condition. Therefore, this variant is classified as a variant of uncertain significance.

Quest Diagnostics Nichols Institute San Juan Capistrano
Classification: Uncertain significance. Last evaluated: 2024-03-06. Review status: criteria provided, single submitter. Criteria: Quest Diagnostics criteria. Collection method: clinical testing. Allele origin: unknown.

Center for Human Genetics, Inc
Classification: Likely pathogenic for Neurofibromatosis, type 1. Last evaluated: 2016-11-01. Review status: criteria provided, single submitter. Criteria: ACMG Guidelines, 2015. Collection method: clinical testing. Allele origin: germline. Affected: yes.

NM_001042492.3(NF1):c.5624A>G (p.Asn1875Ser)

Gene: NF1 (neurofibromin 1; plus strand). Cytogenetic location: 17q11.2.
Variant type: single nucleotide variant.
Coding change: c.5624A>G on transcript NM_001042492.3 (MANE Select); coding-DNA position 5624, A replaced by G.
Protein change: p.Asn1875Ser; replaces asparagine 1875 with serine.
Molecular consequence: missense variant.
Genome position (GRCh38, 1-based): chr17:31,330,310, A>G. VCF-style: chr17-31330310-A-G. GRCh37 (hg19) VCF-style: chr17-29657328-A-G.
Other names: c.5561A>G, p.Asn1854Ser (NM_000267.4); short protein forms N1854S, N1875S.
Identifiers: ClinVar variation 547663 (VCV000547663.4), dbSNP rs1555533843, ClinGen allele CA399010120.
Genomic context (GRCh38, chr17:31,330,310, plus strand): 5'-AAGGAAAAATACGTTTTAAAACAACTTCATTTGTGTTTTCTCCTAGGTCAGCTGCCTATA[A>G]TCTTCTGTGTGCCTTAACTTGTACCTTTAATTTAAAAATCGAGGGCCAGTTACTAGAGAC-3'
Protein context (NP_001035957.1, residues 1865-1885): SDPSLRSAAY[Asn1875Ser]LLCALTCTFN